The following is an entry in ClinVar:

NM_000321.3(RB1):c.1050-1G>T

Gene: RB1 (RB transcriptional corepressor 1; plus strand). Cytogenetic location: 13q14.2.
Variant type: single nucleotide variant.
Coding change: c.1050-1G>T on transcript NM_000321.3 (MANE Select); the canonical splice acceptor site of the intron before coding-DNA position 1050, G replaced by T.
Molecular consequence: splice acceptor variant.
Genome position (GRCh38, 1-based): chr13:48,368,526, G>T. VCF-style: chr13-48368526-G-T. GRCh37 (hg19) VCF-style: chr13-48942662-G-T.
Other names: c.1050-1G>T (NM_001407165.1, NM_001407166.1).
Identifiers: ClinVar variation 3236948 (VCV003236948.1), dbSNP rs2542189694.

ClinVar aggregate classification (germline): Pathogenic (1 of 4 stars; one submission).

Conditions:
Retinoblastoma (RB1). Also called: RETINOBLASTOMA, SOMATIC. Identifiers: Orphanet 790, MedGen C0035335, MeSH D012175, MONDO:0008380, OMIM 180200, HP:0009919. Disease mechanism: loss of function. Inheritance: Both sporadic and heritable forms are tested..

Submission:

Genetic Diagnostic Laboratory, University of Pennsylvania School of Medicine
Classification: Pathogenic for Retinoblastoma. Last evaluated: 2024-05-20. Review status: criteria provided, single submitter. Criteria: ACMG Guidelines, 2015. Collection method: clinical testing. Allele origin: germline. Affected: yes. Observed: 1 variant allele.
Comment: Case and Pedigree Information: BILATERAL CASES:0, UNILATERAL CASES:1, TOTAL CASES:1, PEDIGREES:1. ACMG Codes Applied:PVS1, PM2